The following is an entry in ClinVar:

NM_001243133.2(NLRP3):c.1795T>A (p.Ser599Thr)

Gene: NLRP3 (NLR family pyrin domain containing 3; plus strand). Cytogenetic location: 1q44.
Variant type: single nucleotide variant.
Coding change: c.1795T>A on transcript NM_001243133.2 (MANE Select); coding-DNA position 1795, T replaced by A.
Protein change: p.Ser599Thr; replaces serine 599 with threonine.
Molecular consequence: missense variant.
Genome position (GRCh38, 1-based): chr1:247,425,244, T>A. VCF-style: chr1-247425244-T-A. GRCh37 (hg19) VCF-style: chr1-247588546-T-A.
Other names: c.1795T>A, p.Ser599Thr (NM_001079821.3, NM_001127461.3, NM_001127462.3 and 1 more transcripts); c.1801T>A, p.Ser601Thr (NM_004895.5); short protein forms S601T, S599T.
Identifiers: ClinVar variation 1404474 (VCV001404474.8), dbSNP rs2103112632, ClinGen allele CA345557835.

ClinVar aggregate classification (germline): Uncertain significance (1 of 4 stars; one submission).

Conditions:
Cryopyrin associated periodic syndrome (CAPS). Identifiers: Orphanet 208650, MedGen C2316212, MONDO:0016168.

Submission:

Labcorp Genetics (formerly Invitae), Labcorp
Classification: Uncertain significance for Cryopyrin associated periodic syndrome. Last evaluated: 2021-07-06. Review status: criteria provided, single submitter. Criteria: Invitae Variant Classification Sherloc (09022015). Collection method: clinical testing. Allele origin: germline.
Comment: This sequence change replaces serine with threonine at codon 601 of the NLRP3 protein (p.Ser601Thr). The serine residue is highly conserved and there is a small physicochemical difference between serine and threonine. This variant is not present in population databases (ExAC no frequency). This variant has not been reported in the literature in individuals affected with NLRP3-related conditions. Algorithms developed to predict the effect of missense changes on protein structure and function are either unavailable or do not agree on the potential impact of this missense change (SIFT: "Tolerated"; PolyPhen-2: "Probably Damaging"; Align-GVGD: "Class C0"). In summary, the available evidence is currently insufficient to determine the role of this variant in disease. Therefore, it has been classified as a Variant of Uncertain Significance.